The following is an entry in ClinVar:

ClinVar aggregate classification (germline): Uncertain significance. Review status: criteria provided, multiple submitters, no conflicts (2 of 4 stars). 2 submissions from 2 submitters: Uncertain significance (2). Last evaluated 2026-08-20.

Conditions:
Hereditary nonpolyposis colorectal neoplasms. Identifiers: MedGen C0009405, MeSH D003123.
Hereditary cancer-predisposing syndrome. Also called: Neoplastic Syndromes, Hereditary; Hereditary neoplastic syndrome; Hereditary Cancer Syndrome; Tumor predisposition. Identifiers: Orphanet 140162, MedGen C0027672, MeSH D009386, MONDO:0015356.

Allele frequency attached by ClinVar (database versions not stated): TOPMed below 0.00001; gnomAD 0.00001.

Submissions (2):

Ambry Genetics
Classification: Uncertain significance for Hereditary cancer-predisposing syndrome. Last evaluated: 2026-08-20. Review status: criteria provided, single submitter. Criteria: Ambry Variant Classification Scheme 2023. Collection method: clinical testing. Allele origin: germline.
Comment: The p.W106R variant (also known as c.316T>C), located in coding exon 2 of the MSH6 gene, results from a T to C substitution at nucleotide position 316. The tryptophan at codon 106 is replaced by arginine, an amino acid with dissimilar properties. This amino acid position is highly conserved in available vertebrate species. In addition, this alteration is predicted to be deleterious by in silico analysis. Based on the available evidence, the clinical significance of this variant remains unclear.

Labcorp Genetics (formerly Invitae), Labcorp
Classification: Uncertain significance for Hereditary nonpolyposis colorectal neoplasms. Last evaluated: 2018-09-29. Review status: criteria provided, single submitter. Criteria: Invitae Variant Classification Sherloc (09022015). Collection method: clinical testing. Allele origin: germline.
Comment: This sequence change replaces tryptophan with arginine at codon 106 of the MSH6 protein (p.Trp106Arg). The tryptophan residue is highly conserved and there is a moderate physicochemical difference between tryptophan and arginine. This variant is not present in population databases (ExAC no frequency) and has not been reported in the literature in individuals with an MSH6-related disease. Algorithms developed to predict the effect of missense changes on protein structure and function (SIFT, PolyPhen-2, Align-GVGD) all suggest that this variant is likely to be disruptive, but these predictions have not been confirmed by published functional studies. In summary, this variant is a novel missense change with uncertain impact on protein function. It has been classified as a Variant of Uncertain Significance.

NM_000179.3(MSH6):c.316T>C (p.Trp106Arg)

Gene: MSH6 (mutS homolog 6; plus strand). Cytogenetic location: 2p16.3.
Variant type: single nucleotide variant.
Coding change: c.316T>C on transcript NM_000179.3 (MANE Select); coding-DNA position 316, T replaced by C.
Protein change: p.Trp106Arg; replaces tryptophan 106 with arginine.
Molecular consequence: missense variant. On other transcripts: 5 prime UTR variant (2), intron variant (1).
Genome position (GRCh38, 1-based): chr2:47,790,982, T>C. VCF-style: chr2-47790982-T-C. GRCh37 (hg19) VCF-style: chr2-48018121-T-C.
Other names: c.-421T>C (NM_001281493.2); c.-587T>C (NM_001281494.2); c.237+7512T>C (NM_001281492.2); short protein forms W106R.
Identifiers: ClinVar variation 455238 (VCV000455238.13), dbSNP rs1410755308, ClinGen allele CA346736867.